The following is an entry in ClinVar:

NM_144573.4(NEXN):c.1887A>G (p.Gln629=)

Gene: NEXN (nexilin F-actin binding protein; plus strand). Cytogenetic location: 1p31.1.
Variant type: single nucleotide variant.
Coding change: c.1887A>G on transcript NM_144573.4 (MANE Select); coding-DNA position 1887, A replaced by G.
Protein change: p.Gln629=; no amino-acid change (glutamine 629 retained).
Molecular consequence: synonymous variant.
Genome position (GRCh38, 1-based): chr1:77,942,688, A>G. VCF-style: chr1-77942688-A-G. GRCh37 (hg19) VCF-style: chr1-78408373-A-G.
Other names: c.1695A>G, p.Gln565= (NM_001172309.2).
Identifiers: ClinVar variation 164797 (VCV000164797.7), dbSNP rs727503346, ClinGen allele CA177495.

ClinVar aggregate classification (germline): Likely benign. Review status: criteria provided, multiple submitters, no conflicts (2 of 4 stars). 3 submissions from 3 submitters: Likely benign (3). Last evaluated 2022-04-19.

Conditions:
Cardiovascular phenotype. Identifiers: MedGen CN230736.

Allele frequency attached by ClinVar (database versions not stated): gnomAD exomes below 0.00001.
gnomAD v4.1: 5 of 1,613,814 alleles (0.00031%); highest among the groups gnomAD compares: Non-Finnish European, 0.00042%; no homozygotes.

Submissions (3):

Ambry Genetics
Classification: Likely benign for Cardiovascular phenotype. Last evaluated: 2022-04-19. Review status: criteria provided, single submitter. Criteria: Ambry Variant Classification Scheme 2023. Collection method: clinical testing. Allele origin: germline.

GeneDx
Classification: Likely benign. Last evaluated: 2016-01-11. Review status: criteria provided, single submitter. Criteria: GeneDx Variant Classification (06012015). Collection method: clinical testing. Allele origin: germline. Affected: yes.
Comment: This variant is considered likely benign or benign based on one or more of the following criteria: it is a conservative change, it occurs at a poorly conserved position in the protein, it is predicted to be benign by multiple in silico algorithms, and/or has population frequency not consistent with disease.

Laboratory for Molecular Medicine, Mass General Brigham Personalized Medicine
Classification: Likely benign. Last evaluated: 2014-05-08. Review status: criteria provided, single submitter. Criteria: LMM Criteria. Collection method: clinical testing. Allele origin: germline. Observed: 1 variant allele.
Comment: Gln629Gln in exon 13 of NEXN: This variant is not expected to have clinical sign ificance because it does not alter an amino acid residue and is not located with in the splice consensus sequence.